The following is an entry in ClinVar:

ClinVar aggregate classification (germline): Uncertain significance (1 of 4 stars; one submission).

Conditions:
Granulomatous disease, chronic, autosomal recessive, cytochrome b-positive, type 3. Also called: GRANULOMATOUS DISEASE, CHRONIC, DUE TO NCF4 DEFICIENCY; Granulomatous disease, chronic, autosomal recessive, cytochrome b-positive, type III; GRANULOMATOUS DISEASE, CHRONIC, AUTOSOMAL RECESSIVE, 3; CGD, AUTOSOMAL RECESSIVE CYTOCHROME b-POSITIVE, TYPE III. Identifiers: Orphanet 379, MedGen C3151409, MONDO:0013507, OMIM 613960.

Allele frequency attached by ClinVar (database versions not stated): gnomAD exomes 0.00003 and 0.00006; ExAC 0.00006; gnomAD 0.00006; TOPMed 0.00006.
gnomAD v4.1: 86 of 1,551,380 alleles (0.0055%); highest among the groups gnomAD compares: Non-Finnish European, 0.0071%; no homozygotes.

Submission:

Labcorp Genetics (formerly Invitae), Labcorp
Classification: Uncertain significance for Granulomatous disease, chronic, autosomal recessive, cytochrome b-positive, type 3. Last evaluated: 2025-06-24. Review status: criteria provided, single submitter. Criteria: Invitae Variant Classification Sherloc (09022015). Collection method: clinical testing. Allele origin: germline.
Comment: This sequence change replaces glutamic acid, which is acidic and polar, with lysine, which is basic and polar, at codon 10 of the NCF4 protein (p.Glu10Lys). This variant is present in population databases (rs756372095, gnomAD 0.03%). This variant has not been reported in the literature in individuals affected with NCF4-related conditions. ClinVar contains an entry for this variant (Variation ID: 341546). An algorithm developed to predict the effect of missense changes on protein structure and function (PolyPhen-2) suggests that this variant is likely to be tolerated. In summary, the available evidence is currently insufficient to determine the role of this variant in disease. Therefore, it has been classified as a Variant of Uncertain Significance.

NM_000631.5(NCF4):c.28G>A (p.Glu10Lys)

Genes: NCF4 (neutrophil cytosolic factor 4; plus strand), NCF4-AS1 (NCF4 antisense RNA 1; minus strand). Cytogenetic location: 22q12.3.
Variant type: single nucleotide variant.
Coding change: c.28G>A on transcript NM_000631.5 (MANE Select); coding-DNA position 28, G replaced by A.
Protein change: p.Glu10Lys; replaces glutamic acid 10 with lysine.
Molecular consequence: missense variant.
Genome position (GRCh38, 1-based): chr22:36,861,199, G>A. VCF-style: chr22-36861199-G-A. GRCh37 (hg19) VCF-style: chr22-37257241-G-A.
Other names: c.28G>A, p.Glu10Lys (NM_013416.4); short protein forms E10K.
Identifiers: ClinVar variation 341546 (VCV000341546.7), dbSNP rs756372095, ClinGen allele CA10212796.